The following is an entry in ClinVar:

ClinVar aggregate classification (germline): Uncertain significance (1 of 4 stars; one submission).

gnomAD v4.1: 3 of 1,613,334 alleles (0.00019%); highest among the groups gnomAD compares: Non-Finnish European, 0.00025%; no homozygotes.

Submission:

Dasa
Classification: Uncertain significance. Last evaluated: 2026-02-18. Review status: criteria provided, single submitter. Criteria: DASA Assertion Criteria. Collection method: clinical testing. Allele origin: germline.
Comment: NM_001378457.1(DMXL2):c.5110T>C (p.Trp1704Arg) is a missense variant that results in the substitution of tryptophan with arginine. This variant is rare in population databases. Computational prediction algorithms are consistent with a deleterious effect. The currently available literature and clinical evidence are not sufficient to establish a definitive association between this variant and the reported condition. Therefore, this variant is classified as a variant of uncertain significance.

NM_001378457.1(DMXL2):c.5110T>C (p.Trp1704Arg)

Gene: DMXL2 (Dmx like 2; minus strand). Cytogenetic location: 15q21.2.
Variant type: single nucleotide variant.
Coding change: c.5110T>C on transcript NM_001378457.1 (MANE Select); coding-DNA position 5110, T replaced by C.
Protein change: p.Trp1704Arg; replaces tryptophan 1704 with arginine.
Molecular consequence: missense variant. On other transcripts: non-coding transcript variant (2).
Genome position (GRCh38, 1-based): chr15:51,488,061, A>G on the plus strand (T>C on the coding strand, the complement: DMXL2 is on the minus strand). VCF-style: chr15-51488061-A-G. GRCh37 (hg19) VCF-style: chr15-51780258-A-G.
Other names: c.5110T>C, p.Trp1704Arg (NM_001174116.3, NM_001378458.1, NM_001378459.1 and 4 more transcripts); c.3202T>C, p.Trp1068Arg (NM_001174117.3); c.3091T>C, p.Trp1031Arg (NM_001378460.1); c.4870T>C, p.Trp1624Arg (NM_001378464.1); short protein forms W1031R, W1068R, W1624R, W1704R.
Identifiers: ClinVar variation 4885854 (VCV004885854.2).
Genomic context (GRCh38, chr15:51,488,061, plus strand): 5'-ATTGTTCAAAGCGTTGTTTTCCAAGTAAGGAAAAAGCATTTTTCAAAGCAGCTTTTCGCC[A>G]TCTATCTTCATTAAAGTTGTGGCTGAAAAATGTTGTCATTTTTTCATCATGCTGTGACCT-3'
Protein context (NP_001365386.1, residues 1694-1714): FFSHNFNEDR[Trp1704Arg]RKAALKNAFS